The following is an entry in ClinVar:

ClinVar aggregate classification (germline): Pathogenic (1 of 4 stars; one submission).

Conditions:
Hereditary cancer-predisposing syndrome. Also called: Neoplastic Syndromes, Hereditary; Tumor predisposition; Hereditary Cancer Syndrome; Hereditary neoplastic syndrome. Identifiers: Orphanet 140162, MedGen C0027672, MeSH D009386, MONDO:0015356.
Cardiovascular phenotype. Identifiers: MedGen CN230736.

Submission:

Ambry Genetics
Classification: Pathogenic for Cardiovascular phenotype; Hereditary cancer-predisposing syndrome. Last evaluated: 2022-07-08. Review status: criteria provided, single submitter. Criteria: Ambry Variant Classification Scheme 2023. Collection method: clinical testing. Allele origin: germline.
Comment: The c.7981delC pathogenic mutation, located in coding exon 54 of the NF1 gene, results from a deletion of one nucleotide at nucleotide position 7981, causing a translational frameshift with a predicted alternate stop codon (p.H2661Mfs*57). This alteration was reported in a cohort of 156 Italian patients meeting NIH diagnostic criteria for Neurofibromatosis type 1 (NF1) (Stella A et al. Genes (Basel), 2018 Apr;9). In addition to the clinical data presented in the literature, this alteration is expected to result in loss of function by premature protein truncation or nonsense-mediated mRNA decay. As such, this alteration is interpreted as a disease-causing mutation.

NM_001042492.3(NF1):c.8044del (p.His2682fs)

Gene: NF1 (neurofibromin 1; plus strand). Cytogenetic location: 17q11.2.
Variant type: Deletion.
Coding change: c.8044del on transcript NM_001042492.3 (MANE Select); coding-DNA position 8044, one base deleted (C; older notation c.8044delC).
Protein change: p.His2682fs; shifts the reading frame from histidine 2682.
Molecular consequence: frameshift variant.
Genome position (GRCh38, 1-based): chr17:31,358,553, C deleted; the last of 2 consecutive C bases (chr17:31,358,552-31,358,553); deleting either gives the same sequence. VCF-style (leftmost placement, unchanged base first): chr17-31358551-TC-T. GRCh37 (hg19) VCF-style: chr17-29685569-TC-T.
Other names: c.7981delC (NM_000267.3); c.7981delC, p.His2661Metfs (NM_000267.4); short protein forms H2661fs, H2682fs.
Identifiers: ClinVar variation 1761469 (VCV001761469.2), dbSNP rs2508835216, ClinGen allele CA2580093492.